The following is an entry in ClinVar:

ClinVar aggregate classification (germline): Uncertain significance (1 of 4 stars; one submission).

Conditions:
Developmental and epileptic encephalopathy, 31A. Also called: Developmental and epileptic encephalopathy, 31; Epileptic encephalopathy, early infantile, 31. Identifiers: Orphanet 2382, MedGen C4225357, MONDO:0014598, OMIM 616346.

Submission:

Labcorp Genetics (formerly Invitae), Labcorp
Classification: Uncertain significance for Developmental and epileptic encephalopathy, 31A. Last evaluated: 2023-04-17. Review status: criteria provided, single submitter. Criteria: Invitae Variant Classification Sherloc (09022015). Collection method: clinical testing. Allele origin: germline.
Comment: Variants that disrupt the consensus splice site are a relatively common cause of aberrant splicing (PMID: 17576681, 9536098). Algorithms developed to predict the effect of sequence changes on RNA splicing suggest that this variant is not likely to affect RNA splicing. In summary, the available evidence is currently insufficient to determine the role of this variant in disease. Therefore, it has been classified as a Variant of Uncertain Significance. This variant has not been reported in the literature in individuals affected with DNM1-related conditions. This variant is not present in population databases (gnomAD no frequency). This sequence change falls in intron 16 of the DNM1 gene. It does not directly change the encoded amino acid sequence of the DNM1 protein. It affects a nucleotide within the consensus splice site.

Literature cited by the submitters: PubMed 17576681; PubMed 9536098.

NM_004408.4(DNM1):c.1782-3C>T

Gene: DNM1 (dynamin 1; plus strand). Cytogenetic location: 9q34.11.
Variant type: single nucleotide variant.
Coding change: c.1782-3C>T on transcript NM_004408.4 (MANE Select); 3 bases into the intron before coding-DNA position 1782, C replaced by T.
Molecular consequence: intron variant.
Genome position (GRCh38, 1-based): chr9:128,247,372, C>T. VCF-style: chr9-128247372-C-T. GRCh37 (hg19) VCF-style: chr9-131009651-C-T.
Other names: c.1782-3C>T (NM_001005336.3, NM_001374269.1, NM_001288738.2 and 2 more transcripts).
Identifiers: ClinVar variation 2857118 (VCV002857118.3), dbSNP rs1275859128, ClinGen allele CA590622278.
Genomic context (GRCh38, chr9:128,247,372, plus strand): 5'-CCTTAACCCCCAGGGAGGGTCAGACTTTGCCCATCTGCCCTCACTGCCTGCCCTATCTTG[C>T]AGGAATGTCTACAAGGATTATCGGCAGCTGGAGCTAGCCTGTGAGACACAGGAGGAGGTG-3'